The following is an entry in ClinVar:

NM_133433.4(NIPBL):c.4714A>G (p.Thr1572Ala)

Gene: NIPBL (NIPBL cohesin loading factor; plus strand). Cytogenetic location: 5p13.2.
Variant type: single nucleotide variant.
Coding change: c.4714A>G on transcript NM_133433.4 (MANE Select); coding-DNA position 4714, A replaced by G.
Protein change: p.Thr1572Ala; replaces threonine 1572 with alanine.
Molecular consequence: missense variant.
Genome position (GRCh38, 1-based): chr5:37,016,108, A>G. VCF-style: chr5-37016108-A-G. GRCh37 (hg19) VCF-style: chr5-37016210-A-G.
Other names: c.4714A>G, p.Thr1572Ala (NM_015384.5); short protein forms T1572A.
Identifiers: ClinVar variation 1327639 (VCV001327639.4), dbSNP rs943147398, ClinGen allele CA117025924.

ClinVar aggregate classification (germline): Uncertain significance. Review status: criteria provided, multiple submitters, no conflicts (2 of 4 stars). 2 submissions from 2 submitters: Uncertain significance (2). Last evaluated 2024-01-19.

Conditions:
Inborn genetic diseases. Identifiers: MedGen C0950123, MeSH D030342.

Allele frequency attached by ClinVar (database versions not stated): gnomAD exomes below 0.00001; TOPMed below 0.00001.

Submissions (2):

Ambry Genetics
Classification: Uncertain significance for Inborn genetic diseases. Last evaluated: 2024-01-19. Review status: criteria provided, single submitter. Criteria: Ambry Variant Classification Scheme 2023. Collection method: clinical testing. Allele origin: germline.

GeneDx
Classification: Uncertain significance. Last evaluated: 2023-04-12. Review status: criteria provided, single submitter. Criteria: GeneDx Variant Classification Process June 2021. Collection method: clinical testing. Allele origin: germline. Affected: yes.
Comment: In silico analysis supports that this missense variant has a deleterious effect on protein structure/function; Has not been previously published as pathogenic or benign to our knowledge